The following is an entry in ClinVar:

NM_003244.4(TGIF1):c.16+1268T>G

Gene: TGIF1 (TGFB induced factor homeobox 1; plus strand). Cytogenetic location: 18p11.31.
Variant type: single nucleotide variant.
Coding change: c.16+1268T>G on transcript NM_003244.4 (MANE Select); 1268 bases into the intron after coding-DNA position 16, T replaced by G.
Molecular consequence: intron variant. On other transcripts: 5 prime UTR variant (2), splice donor variant (1).
Genome position (GRCh38, 1-based): chr18:3,451,773, T>G. VCF-style: chr18-3451773-T-G. GRCh37 (hg19) VCF-style: chr18-3451771-T-G.
Other names: c.-654T>G (NM_170695.5); c.-47T>G (NM_173210.4); c.-44-4581T>G (NM_174886.3, NM_001278686.3); c.58+3976T>G (NM_173207.4); c.-45+3234T>G (NM_001374396.1); c.25+2117T>G (NM_001278682.2); c.16+1268T>G (NM_173208.3, NM_001278684.2); c.-45+1703T>G (NM_173209.3); and 1 more.
Identifiers: ClinVar variation 2580644 (VCV002580644.1), dbSNP rs1016147904, ClinGen allele CA295563347.

ClinVar aggregate classification (germline): Uncertain significance (1 of 4 stars; one submission).

Allele frequency attached by ClinVar (database versions not stated): gnomAD 0.00005; TOPMed 0.00007.
gnomAD v4.1: 18 of 1,256,264 alleles (0.0014%); highest among the groups gnomAD compares: African/African-American, 0.028%; no homozygotes.

Submission:

GeneDx
Classification: Uncertain significance. Last evaluated: 2023-03-23. Review status: criteria provided, single submitter. Criteria: GeneDx Variant Classification Process June 2021. Collection method: clinical testing. Allele origin: germline. Affected: yes.
Comment: Not observed at significant frequency in large population cohorts (gnomAD); In silico analysis is inconclusive as to whether the variant alters gene splicing. In the absence of RNA/functional studies, the actual effect of this sequence change is unknown; Has not been previously published as pathogenic or benign to our knowledge